The following is an entry in ClinVar:

NM_021629.4(GNB4):c.35A>G (p.Glu12Gly)

Gene: GNB4 (G protein subunit beta 4; minus strand). Cytogenetic location: 3q26.33.
Variant type: single nucleotide variant.
Coding change: c.35A>G on transcript NM_021629.4 (MANE Select); coding-DNA position 35, A replaced by G.
Protein change: p.Glu12Gly; replaces glutamic acid 12 with glycine.
Molecular consequence: missense variant.
Genome position (GRCh38, 1-based): chr3:179,426,166, T>C on the plus strand (A>G on the coding strand, the complement: GNB4 is on the minus strand). VCF-style: chr3-179426166-T-C. GRCh37 (hg19) VCF-style: chr3-179143954-T-C.
Other names: short protein forms E12G.
Identifiers: ClinVar variation 2160427 (VCV002160427.4), dbSNP rs2473928096, ClinGen allele CA355471360.
Genomic context (GRCh38, chr3:179,426,166, plus strand): 5'-TAAATAAGTGCTAACATTTTGAAATGAAAAGGTTTTACCTGAATCTGATTCCGCAGTTGT[T>C]CTGCTTCTTGCCTCAACTGTTCCAGTTCGCTCATTTTTTCAATTTGTTTACCTCAGGAGC-3'
Protein context (NP_067642.1, residues 2-22): SELEQLRQEA[Glu12Gly]QLRNQIQDAR

ClinVar aggregate classification (germline): Uncertain significance (1 of 4 stars; one submission).

Conditions:
Charcot-Marie-Tooth disease dominant intermediate F. Identifiers: Orphanet 352670, MedGen C4749463, MONDO:0014074, OMIM 615185.

Submission:

Labcorp Genetics (formerly Invitae), Labcorp
Classification: Uncertain significance for Charcot-Marie-Tooth disease dominant intermediate F. Last evaluated: 2022-03-14. Review status: criteria provided, single submitter. Criteria: Invitae Variant Classification Sherloc (09022015). Collection method: clinical testing. Allele origin: germline.
Comment: In summary, the available evidence is currently insufficient to determine the role of this variant in disease. Therefore, it has been classified as a Variant of Uncertain Significance. Algorithms developed to predict the effect of missense changes on protein structure and function are either unavailable or do not agree on the potential impact of this missense change (SIFT: "Deleterious"; PolyPhen-2: "Benign"; Align-GVGD: "Class C0"). This variant has not been reported in the literature in individuals affected with GNB4-related conditions. This variant is not present in population databases (gnomAD no frequency). This sequence change replaces glutamic acid, which is acidic and polar, with glycine, which is neutral and non-polar, at codon 12 of the GNB4 protein (p.Glu12Gly).